The following is an entry in ClinVar:

NM_015378.4(VPS13D):c.11995G>A (p.Val3999Met)

Gene: VPS13D (vacuolar protein sorting 13 homolog D; plus strand). Cytogenetic location: 1p36.22.
Variant type: single nucleotide variant.
Coding change: c.11995G>A on transcript NM_015378.4 (MANE Select); coding-DNA position 11995, G replaced by A.
Protein change: p.Val3999Met; replaces valine 3999 with methionine.
Molecular consequence: missense variant.
Genome position (GRCh38, 1-based): chr1:12,403,938, G>A. VCF-style: chr1-12403938-G-A. GRCh37 (hg19) VCF-style: chr1-12463991-G-A.
Other names: c.11920G>A, p.Val3974Met (NM_018156.4); short protein forms V3974M, V3999M.
Identifiers: ClinVar variation 1923188 (VCV001923188.5), dbSNP rs1213724179, ClinGen allele CA338486108.
Genomic context (GRCh38, chr1:12,403,938, plus strand): 5'-ACACCAATTCGATACTACTTTGAAAATCTCAAAATCAGCATTCCTCAGATCAAGCTAAGT[G>A]TGTTCACCTCCAACAAGCTCCCATTGGATCTTAAGGTGAGCTGCTATTTGGGTAAATTTT-3'
Protein context (NP_056193.2, residues 3989-4009): KISIPQIKLS[Val3999Met]FTSNKLPLDL

ClinVar aggregate classification (germline): Uncertain significance (1 of 4 stars; one submission).

Allele frequency attached by ClinVar (database versions not stated): gnomAD exomes 0.00001; gnomAD 0.00002.
gnomAD v4.1: 17 of 1,610,908 alleles (0.0011%); highest among the groups gnomAD compares: Admixed American, 0.0068%; no homozygotes.

Submission:

Labcorp Genetics (formerly Invitae), Labcorp
Classification: Uncertain significance. Last evaluated: 2024-09-30. Review status: criteria provided, single submitter. Criteria: Invitae Variant Classification Sherloc (09022015). Collection method: clinical testing. Allele origin: germline.
Comment: This sequence change replaces valine, which is neutral and non-polar, with methionine, which is neutral and non-polar, at codon 3999 of the VPS13D protein (p.Val3999Met). This variant is present in population databases (no rsID available, gnomAD 0.01%). This variant has not been reported in the literature in individuals affected with VPS13D-related conditions. ClinVar contains an entry for this variant (Variation ID: 1923188). Invitae Evidence Modeling of protein sequence and biophysical properties (such as structural, functional, and spatial information, amino acid conservation, physicochemical variation, residue mobility, and thermodynamic stability) has been performed for this missense variant. However, the output from this modeling did not meet the statistical confidence thresholds required to predict the impact of this variant on VPS13D protein function. In summary, the available evidence is currently insufficient to determine the role of this variant in disease. Therefore, it has been classified as a Variant of Uncertain Significance.